The following is an entry in ClinVar:

NM_019066.5(MAGEL2):c.275C>T (p.Ala92Val)

Gene: MAGEL2 (MAGE family member L2; minus strand). Cytogenetic location: 15q11.2.
Variant type: single nucleotide variant.
Coding change: c.275C>T on transcript NM_019066.5 (MANE Select); coding-DNA position 275, C replaced by T.
Protein change: p.Ala92Val; replaces alanine 92 with valine.
Molecular consequence: missense variant.
Genome position (GRCh38, 1-based): chr15:23,647,468, G>A on the plus strand (C>T on the coding strand, the complement: MAGEL2 is on the minus strand). VCF-style: chr15-23647468-G-A. GRCh37 (hg19) VCF-style: chr15-23892615-G-A.
Other names: c.275C>T (NM_019066.4); short protein forms A92V.
Identifiers: ClinVar variation 2672579 (VCV002672579.26), dbSNP rs747218946, ClinGen allele CA267661725.

ClinVar aggregate classification (germline): Uncertain significance. Review status: criteria provided, multiple submitters, no conflicts (2 of 4 stars). 3 submissions from 3 submitters: Uncertain significance (3). Last evaluated 2025-04-17.

Conditions:
Inborn genetic diseases. Identifiers: MedGen C0950123, MeSH D030342.

Submissions (3):

Ambry Genetics
Classification: Uncertain significance for Inborn genetic diseases. Last evaluated: 2025-04-17. Review status: criteria provided, single submitter. Criteria: Ambry Variant Classification Scheme 2023. Collection method: clinical testing. Allele origin: germline.

CeGaT Center for Human Genetics Tuebingen
Classification: Uncertain significance. Last evaluated: 2023-11-01. Review status: criteria provided, single submitter. Criteria: CeGaT Center For Human Genetics Tuebingen Variant Classification Criteria Version 2. Collection method: clinical testing. Allele origin: germline. Affected: yes. Observed: 1 variant allele.

Labcorp Genetics (formerly Invitae), Labcorp
Classification: Uncertain significance. Last evaluated: 2023-07-20. Review status: criteria provided, single submitter. Criteria: Invitae Variant Classification Sherloc (09022015). Collection method: clinical testing. Allele origin: germline.
Comment: This sequence change replaces alanine, which is neutral and non-polar, with valine, which is neutral and non-polar, at codon 92 of the MAGEL2 protein (p.Ala92Val). This variant is present in population databases (rs747218946, gnomAD 0.01%). In summary, the available evidence is currently insufficient to determine the role of this variant in disease. Therefore, it has been classified as a Variant of Uncertain Significance. Experimental studies and prediction algorithms are not available or were not evaluated, and the functional significance of this variant is currently unknown. This variant has not been reported in the literature in individuals affected with MAGEL2-related conditions.